The following is an entry in ClinVar:

NM_000245.4(MET):c.2320A>C (p.Arg774=)

Gene: MET (MET proto-oncogene, receptor tyrosine kinase; plus strand). Cytogenetic location: 7q31.2.
Variant type: single nucleotide variant.
Coding change: c.2320A>C on transcript NM_000245.4 (MANE Select); coding-DNA position 2320, A replaced by C.
Protein change: p.Arg774=; no amino-acid change (arginine 774 retained).
Molecular consequence: synonymous variant.
Genome position (GRCh38, 1-based): chr7:116,759,446, A>C. VCF-style: chr7-116759446-A-C. GRCh37 (hg19) VCF-style: chr7-116399500-A-C.
Other names: c.2374A>C, p.Arg792= (NM_001127500.3); c.2320A>C, p.Arg774= (NM_001324401.3); c.1030A>C, p.Arg344= (NM_001324402.2).
Identifiers: ClinVar variation 1110602 (VCV001110602.12), dbSNP rs2116938453, ClinGen allele CA457217285.

ClinVar aggregate classification (germline): Benign/Likely benign. Review status: criteria provided, multiple submitters, no conflicts (2 of 4 stars). 3 submissions from 3 submitters: Benign (1); Likely benign (2). Last evaluated 2025-07-18.

Conditions:
Papillary renal cell carcinoma type 1 (RCCP1). Also called: Renal adenocarcinoma; Renal cell carcinoma 1; Renal cell carcinoma, somatic; RENAL CELL CARCINOMA, PAPILLARY, 1, SOMATIC. Identifiers: Orphanet 47044, MedGen C1336839, OMIM 605074, HP:0011797.
Renal cell carcinoma. Identifiers: Orphanet 217071, MedGen C0007134, MeSH D002292, MONDO:0005086, HP:0005584.
Hereditary cancer-predisposing syndrome. Also called: Tumor predisposition; Hereditary Cancer Syndrome; Neoplastic Syndromes, Hereditary; Hereditary neoplastic syndrome. Identifiers: Orphanet 140162, MedGen C0027672, MeSH D009386, MONDO:0015356.

Allele frequency attached by ClinVar (database versions not stated): gnomAD exomes below 0.00001.
gnomAD v4.1: 1 of 1,613,850 alleles (0.000062%); highest among the groups gnomAD compares: Admixed American, 0.0017%; no homozygotes.

Submissions (3):

Labcorp Genetics (formerly Invitae), Labcorp
Classification: Likely benign for Renal cell carcinoma. Last evaluated: 2025-07-18. Review status: criteria provided, single submitter. Criteria: Invitae Variant Classification Sherloc (09022015). Collection method: clinical testing. Allele origin: germline.

Myriad Genetics, Inc.
Classification: Benign for Papillary renal cell carcinoma type 1. Last evaluated: 2024-11-11. Review status: criteria provided, single submitter. Criteria: Myriad Autosomal Dominant, Autosomal Recessive and X-Linked Classification Criteria (2023). Collection method: clinical testing. Allele origin: unknown.
Comment: This variant is considered benign. This variant is a silent/synonymous amino acid change and it is not expected to impact splicing.

Ambry Genetics
Classification: Likely benign for Hereditary cancer-predisposing syndrome. Last evaluated: 2021-05-07. Review status: criteria provided, single submitter. Criteria: Ambry Variant Classification Scheme 2023. Collection method: clinical testing. Allele origin: germline.